The following is an entry in ClinVar:

ClinVar aggregate classification (germline): Likely benign (0 of 4 stars; one submission).

Conditions:
BCORL1-related disorder. Also called: BCORL1-related condition.

Allele frequency attached by ClinVar (database versions not stated): gnomAD 0.00001; TOPMed 0.00001.
gnomAD v4.1: 14 of 1,175,480 alleles (0.0012%); highest among the groups gnomAD compares: East Asian, 0.003%; no homozygotes.

Submission:

PreventionGenetics, part of Exact Sciences
Classification: Likely benign for BCORL1-related condition. Last evaluated: 2019-03-14. Review status: no assertion criteria provided. Collection method: clinical testing. Allele origin: germline.
Comment: This variant is classified as likely benign based on ACMG/AMP sequence variant interpretation guidelines (Richards et al. 2015 PMID: 25741868, with internal and published modifications).

NM_001379451.1(BCORL1):c.5075+10C>T

Gene: BCORL1 (BCL6 corepressor like 1; plus strand). Cytogenetic location: Xq26.1.
Variant type: single nucleotide variant.
Coding change: c.5075+10C>T on transcript NM_001379451.1 (MANE Select); 10 bases into the intron after coding-DNA position 5075, C replaced by T.
Molecular consequence: intron variant.
Genome position (GRCh38, 1-based): chrX:130,052,026, C>T. VCF-style: chrX-130052026-C-T. GRCh37 (hg19) VCF-style: chrX-129186001-C-T.
Other names: c.5075+10C>T (NM_001184772.3, NM_001379450.1); c.4853+10C>T (NM_021946.5).
Identifiers: ClinVar variation 3046534 (VCV003046534.2), dbSNP rs908822780, ClinGen allele CA335103871.
Genomic context (GRCh38, chrX:130,052,026, plus strand): 5'-AGACAAGCCTCTTCTCCCTTGCTACAACCTCCAAGTGTCAGTGTCCCGCGGGTAAGTGTC[C>T]GAGAGATCCACGGTGACTGAGTGTCAGGATCCTGGCACTCAGTAGGAAGGTGGAGTTCTC-3'